The following is an entry in ClinVar:

ClinVar aggregate classification (germline): Uncertain significance (1 of 4 stars; one submission).

Conditions:
Hereditary cancer-predisposing syndrome. Also called: Neoplastic Syndromes, Hereditary; Tumor predisposition; Hereditary Cancer Syndrome; Hereditary neoplastic syndrome. Identifiers: Orphanet 140162, MedGen C0027672, MeSH D009386, MONDO:0015356.

Submission:

Ambry Genetics
Classification: Uncertain significance for Hereditary cancer-predisposing syndrome. Last evaluated: 2016-08-17. Review status: criteria provided, single submitter. Criteria: Ambry Variant Classification Scheme 2023. Collection method: clinical testing. Allele origin: germline.
Comment: The c.584+3dupA intronic variant results from a duplication of one nucleotide 3 nucleotides after coding exon 5 of the NBN gene. This variant was not reported in population based cohorts in the following databases: Database of Single Nucleotide Polymorphisms (dbSNP), NHLBI Exome Sequencing Project (ESP), and 1000 Genomes Project. In the ESP, this variant was not observed in 6503 samples (13006 alleles) with coverage at this position. To date, this alteration has been detected with an allele frequency of approximately 0.001% (greater than 175000 alleles tested) in our clinical cohort. This nucleotide position is well conserved in available vertebrate species. Using two different splice site prediction tools, this alteration is predicted by BDGP to weaken the efficiency of the native splice donor site, but is not predicted to have a deleterious effect on this splice donor site by ESEfinder; however, direct evidence is unavailable. Since supporting evidence is limited at this time, the clinical significance of this alteration remains unclear.

NM_002485.5(NBN):c.584+3dup

Gene: NBN (nibrin; minus strand). Cytogenetic location: 8q21.3.
Variant type: Duplication.
Coding change: c.584+3dup on transcript NM_002485.5 (MANE Select); 3 bases into the intron after coding-DNA position 584, one base duplicated (A; older notation c.584+3dupA).
Molecular consequence: intron variant.
Genome position (GRCh38, 1-based): chr8:89,978,217, T duplicated on the plus strand (A on the coding strand, the reverse complement: NBN is on the minus strand). VCF-style (leftmost placement, unchanged base first): chr8-89978216-A-AT. GRCh37 (hg19) VCF-style: chr8-90990444-A-AT.
Other names: c.338+3dup (NM_001024688.3); c.584+3dupA (NM_002485.4).
Identifiers: ClinVar variation 483969 (VCV000483969.5), dbSNP rs1554566607, ClinGen allele CA658657808.